The following is an entry in ClinVar:

NM_178857.6(RP1L1):c.4671G>A (p.Ala1557=)

Gene: RP1L1 (RP1 like 1). Cytogenetic location: 8p23.1.
Variant type: single nucleotide variant.
Coding change: c.4671G>A on transcript NM_178857.6 (MANE Select); coding-DNA position 4671, G replaced by A.
Protein change: p.Ala1557=; no amino-acid change (alanine 1557 retained).
Molecular consequence: synonymous variant.
Genome position (GRCh38, 1-based): chr8:10,609,427, C>T on the plus strand (G>A on the coding strand, the complement: RP1L1 is on the minus strand). VCF-style: chr8-10609427-C-T. GRCh37 (hg19) VCF-style: chr8-10466937-C-T.
Identifiers: ClinVar variation 361269 (VCV000361269.47), dbSNP rs150438402, ClinGen allele CA4623931.

ClinVar aggregate classification (germline): Benign/Likely benign. Review status: criteria provided, multiple submitters, no conflicts (2 of 4 stars). 7 submissions from 7 submitters: Benign (1); Likely benign (4). 2 of the submissions do not count toward it. Last evaluated 2024-12-01.

Conditions:
Occult macular dystrophy (OCMD). Also called: OMD; OCCULT MACULAR DYSTROPHY, SUSCEPTIBILITY TO. Identifiers: Orphanet 247834, MedGen C3150833, MONDO:0013316, OMIM 613587, HP:0030636.
Retinal dystrophy. Also called: Inherited retinal dystrophy. Identifiers: Orphanet 71862, MedGen C0854723, MeSH D058499, MONDO:0019118, HP:0000556.

Allele frequency attached by ClinVar (database versions not stated): 1000 Genomes Project 30x 0.00047; ESP Exome Variant Server 0.00047; 1000 Genomes Project 0.00060; TOPMed 0.00071.

Submissions (7):

CeGaT Center for Human Genetics Tuebingen
Classification: Likely benign. Last evaluated: 2024-12-01. Review status: criteria provided, single submitter. Criteria: CeGaT Center For Human Genetics Tuebingen Variant Classification Criteria Version 2. Collection method: clinical testing. Allele origin: germline. Affected: yes. Observed: 4 variant alleles.
Comment: RP1L1: BP4, BP7

Blueprint Genetics
Classification: Likely benign. Last evaluated: 2024-11-15. Review status: criteria provided, single submitter. Criteria: ACMG Guidelines, 2015. Collection method: clinical testing. Allele origin: germline.

Dept Of Ophthalmology, Nagoya University
Classification: Likely benign for Retinal dystrophy. Last evaluated: 2023-10-01. Review status: criteria provided, single submitter. Criteria: Submitter's publication. Collection method: research. Allele origin: germline. Affected: yes.

Illumina Laboratory Services, Illumina
Classification: Benign for Occult macular dystrophy. Last evaluated: 2018-01-13. Review status: criteria provided, single submitter. Criteria: ICSL Variant Classification Criteria 13 December 2019. Collection method: clinical testing. Allele origin: germline.
Comment: This variant was observed in the ICSL laboratory as part of a predisposition screen in an ostensibly healthy population. It had not been previously curated by ICSL or reported in the Human Gene Mutation Database (HGMD: prior to June 1st, 2018), and was therefore a candidate for classification through an automated scoring system. Utilizing variant allele frequency, disease prevalence and penetrance estimates, and inheritance mode, an automated score was calculated to assess if this variant is too frequent to cause the disease. Based on the score and internal cut-off values, a variant classified as benign is not then subjected to further curation. The score for this variant resulted in a classification of benign for this disease.

Breakthrough Genomics
Classification: Likely benign. Review status: criteria provided, single submitter. Criteria: ACMG Guidelines, 2015. Collection method: not provided. Allele origin: germline. Inheritance: Autosomal recessive inheritance. Affected: yes.

Clinical Genetics DNA and cytogenetics Diagnostics Lab, Erasmus MC, Erasmus Medical Center
Classification: Likely benign. Review status: no assertion criteria provided. Collection method: clinical testing. Allele origin: germline. Affected: yes. Study: VKGL Data-share Consensus. Not counted in ClinVar's aggregate classification.

Clinical Genetics, Academic Medical Center
Classification: Likely benign. Review status: no assertion criteria provided. Collection method: clinical testing. Allele origin: germline. Affected: yes. Study: VKGL Data-share Consensus. Not counted in ClinVar's aggregate classification.